The following is an entry in ClinVar:

NM_003280.3(TNNC1):c.91G>A (p.Ala31Thr)

Gene: TNNC1 (troponin C1, slow skeletal and cardiac type; minus strand). Cytogenetic location: 3p21.1.
Variant type: single nucleotide variant.
Coding change: c.91G>A on transcript NM_003280.3 (MANE Select); coding-DNA position 91, G replaced by A.
Protein change: p.Ala31Thr; replaces alanine 31 with threonine.
Molecular consequence: missense variant.
Genome position (GRCh38, 1-based): chr3:52,452,217, C>T on the plus strand (G>A on the coding strand, the complement: TNNC1 is on the minus strand). VCF-style: chr3-52452217-C-T. GRCh37 (hg19) VCF-style: chr3-52486233-C-T.
Other names: p.A31T:GCT>ACT; c.91G>A (LRG_378t1); short protein forms A31T.
Identifiers: ClinVar variation 181561 (VCV000181561.11), dbSNP rs397514616, ClinGen allele CA297310.

ClinVar aggregate classification (germline): Uncertain significance. Review status: criteria provided, multiple submitters, no conflicts (2 of 4 stars). 4 submissions from 4 submitters: Uncertain significance (4). Last evaluated 2025-05-29.

Conditions:
Dilated cardiomyopathy 1Z (CMD1Z). Identifiers: Orphanet 154, MedGen C2678475, MONDO:0012745, OMIM 611879.
Hypertrophic cardiomyopathy 13. Also called: TNNC1-Related Familial Hypertrophic Cardiomyopathy. Identifiers: MedGen C2750472, MONDO:0013195, OMIM 613243.

Allele frequency attached by ClinVar (database versions not stated): TOPMed 0.00001; gnomAD 0.00001; gnomAD exomes below 0.00001.
gnomAD v4.1: 7 of 1,613,706 alleles (0.00043%); highest among the groups gnomAD compares: African/African-American, 0.0013%; no homozygotes.

Submissions (4):

3billion
Classification: Uncertain significance for Hypertrophic cardiomyopathy 13. Last evaluated: 2025-05-29. Review status: criteria provided, single submitter. Criteria: ACMG Guidelines, 2015. Collection method: clinical testing. Allele origin: germline. Affected: yes.
Comment: The variant is observed at an extremely low frequency in the gnomAD v4.1.0 dataset (total allele frequency: <0.001%). Predicted Consequence/Location: Missense variant. Missense changes are a common disease-causing mechanism. In silico tool predictions suggest damaging effect of the variant on gene or gene product [3Cnet: 0.86 (> 0.75, sensitivity 0.96 and precision 0.92)]. A different missense change at the same codon (p.Ala31Ser) has been reported to be associated with TNNC1-related disorder (ClinVar ID: VCV000039832 /PMID: 22815480). Therefore, this variant is classified as VUS according to the recommendation of ACMG/AMP guideline.

GeneDx
Classification: Uncertain significance. Last evaluated: 2024-05-14. Review status: criteria provided, single submitter. Criteria: GeneDx Variant Classification Process June 2021. Collection method: clinical testing. Allele origin: germline. Affected: yes.
Comment: Not observed at significant frequency in large population cohorts (gnomAD); In silico analysis indicates that this missense variant does not alter protein structure/function; Has not been previously published as pathogenic or benign to our knowledge; This variant is associated with the following publications: (PMID: 33179204)

Labcorp Genetics (formerly Invitae), Labcorp
Classification: Uncertain significance for Hypertrophic cardiomyopathy 13; Dilated cardiomyopathy 1Z. Last evaluated: 2022-09-04. Review status: criteria provided, single submitter. Criteria: Invitae Variant Classification Sherloc (09022015). Collection method: clinical testing. Allele origin: germline.
Comment: In summary, the available evidence is currently insufficient to determine the role of this variant in disease. Therefore, it has been classified as a Variant of Uncertain Significance. Algorithms developed to predict the effect of missense changes on protein structure and function are either unavailable or do not agree on the potential impact of this missense change (SIFT: "Deleterious"; PolyPhen-2: "Probably Damaging"; Align-GVGD: "Class C0"). ClinVar contains an entry for this variant (Variation ID: 181561). This variant has not been reported in the literature in individuals affected with TNNC1-related conditions. This variant is present in population databases (rs397514616, gnomAD 0.007%). This sequence change replaces alanine, which is neutral and non-polar, with threonine, which is neutral and polar, at codon 31 of the TNNC1 protein (p.Ala31Thr).

AiLife Diagnostics
Classification: Uncertain significance. Last evaluated: 2022-01-06. Review status: criteria provided, single submitter. Criteria: ACMG Guidelines, 2015. Collection method: clinical testing. Allele origin: germline. Affected: yes. Observed: 1 variant allele.

Literature cited by the submitters: PubMed 22815480 (cited by 3billion).